The following is an entry in ClinVar:

NM_004064.5(CDKN1B):c.436G>A (p.Glu146Lys)

Gene: CDKN1B (cyclin dependent kinase inhibitor 1B; plus strand). Cytogenetic location: 12p13.1.
Variant type: single nucleotide variant.
Coding change: c.436G>A on transcript NM_004064.5 (MANE Select); coding-DNA position 436, G replaced by A.
Protein change: p.Glu146Lys; replaces glutamic acid 146 with lysine.
Molecular consequence: missense variant.
Genome position (GRCh38, 1-based): chr12:12,718,275, G>A. VCF-style: chr12-12718275-G-A. GRCh37 (hg19) VCF-style: chr12-12871209-G-A.
Other names: c.436G>A (NM_004064.3); short protein forms E146K.
Identifiers: ClinVar variation 1517494 (VCV001517494.9), dbSNP rs2136356536, ClinGen allele CA383970771.

ClinVar aggregate classification (germline): Uncertain significance. Review status: criteria provided, multiple submitters, no conflicts (2 of 4 stars). 2 submissions from 2 submitters: Uncertain significance (2). Last evaluated 2025-11-15.

Conditions:
Multiple endocrine neoplasia type 4. Also called: MULTIPLE ENDOCRINE NEOPLASIA, TYPE IV. Identifiers: Orphanet 276152, MedGen C1970712, MONDO:0012552, OMIM 610755.
Hereditary cancer-predisposing syndrome. Also called: Neoplastic Syndromes, Hereditary; Hereditary Cancer Syndrome; Tumor predisposition; Hereditary neoplastic syndrome. Identifiers: Orphanet 140162, MedGen C0027672, MeSH D009386, MONDO:0015356.

Allele frequency attached by ClinVar (database versions not stated): gnomAD exomes below 0.00001.

Submissions (2):

Ambry Genetics
Classification: Uncertain significance for Hereditary cancer-predisposing syndrome. Last evaluated: 2025-11-15. Review status: criteria provided, single submitter. Criteria: Ambry Variant Classification Scheme 2023. Collection method: clinical testing. Allele origin: germline.
Comment: The p.E146K variant (also known as c.436G>A), located in coding exon 1 of the CDKN1B gene, results from a G to A substitution at nucleotide position 436. The glutamic acid at codon 146 is replaced by lysine, an amino acid with similar properties. This amino acid position is conserved. In addition, this alteration is predicted to be tolerated by in silico analysis. Based on the available evidence, the clinical significance of this variant remains unclear.

Labcorp Genetics (formerly Invitae), Labcorp
Classification: Uncertain significance for Multiple endocrine neoplasia type 4. Last evaluated: 2023-01-19. Review status: criteria provided, single submitter. Criteria: Invitae Variant Classification Sherloc (09022015). Collection method: clinical testing. Allele origin: germline.
Comment: In summary, the available evidence is currently insufficient to determine the role of this variant in disease. Therefore, it has been classified as a Variant of Uncertain Significance. Algorithms developed to predict the effect of missense changes on protein structure and function are either unavailable or do not agree on the potential impact of this missense change (SIFT: "Deleterious"; PolyPhen-2: "Benign"; Align-GVGD: "Class C0"). ClinVar contains an entry for this variant (Variation ID: 1517494). This variant has not been reported in the literature in individuals affected with CDKN1B-related conditions. This variant is not present in population databases (gnomAD no frequency). This sequence change replaces glutamic acid, which is acidic and polar, with lysine, which is basic and polar, at codon 146 of the CDKN1B protein (p.Glu146Lys).